The following is an entry in ClinVar:

NM_015046.7(SETX):c.1670G>A (p.Arg557Gln)

Gene: SETX (senataxin; minus strand). Cytogenetic location: 9q34.13.
Variant type: single nucleotide variant.
Coding change: c.1670G>A on transcript NM_015046.7 (MANE Select); coding-DNA position 1670, G replaced by A.
Protein change: p.Arg557Gln; replaces arginine 557 with glutamine.
Molecular consequence: missense variant.
Genome position (GRCh38, 1-based): chr9:132,329,928, C>T on the plus strand (G>A on the coding strand, the complement: SETX is on the minus strand). VCF-style: chr9-132329928-C-T. GRCh37 (hg19) VCF-style: chr9-135205315-C-T.
Other names: c.1670G>A, p.Arg557Gln (NM_001351527.2, NM_001351528.2); short protein forms R557Q.
Identifiers: ClinVar variation 1256248 (VCV001256248.5), dbSNP rs548433078, ClinGen allele CA5297734.

ClinVar aggregate classification (germline): Conflicting classifications of pathogenicity. Review status: criteria provided, conflicting classifications (1 of 4 stars). 3 submissions from 3 submitters: Uncertain significance (2); Benign (1). Last evaluated 2024-07-31.

Conditions:
Amyotrophic lateral sclerosis type 4 (ALS4). Also called: NEURONOPATHY, DISTAL HEREDITARY MOTOR, WITH PYRAMIDAL FEATURES; AMYOTROPHIC LATERAL SCLEROSIS 4, JUVENILE. Identifiers: Orphanet 357043, MedGen C1865409, MONDO:0011223, OMIM 602433.
Spinocerebellar ataxia, autosomal recessive, with axonal neuropathy 2 (SCAN2). Also called: ATAXIA-OCULOMOTOR APRAXIA 2; Ataxia-ocular apraxia-2; Ataxia with Oculomotor Apraxia; Ataxia with Oculomotor Apraxia Type 2. Identifiers: Orphanet 64753, MedGen C1853761, MONDO:0018996, OMIM 606002.

Allele frequency attached by ClinVar (database versions not stated): gnomAD exomes below 0.00001 and 0.00002; TOPMed below 0.00001; ExAC 0.00001; gnomAD 0.00001 and 0.00003; 1000 Genomes Project 30x 0.00047; 1000 Genomes Project 0.00060.
gnomAD v4.1: 12 of 1,614,164 alleles (0.00074%); highest among the groups gnomAD compares: East Asian, 0.0067%; no homozygotes.

Submissions (3):

Labcorp Genetics (formerly Invitae), Labcorp
Classification: Benign for Amyotrophic lateral sclerosis type 4; Spinocerebellar ataxia, autosomal recessive, with axonal neuropathy 2. Last evaluated: 2024-07-31. Review status: criteria provided, single submitter. Criteria: Invitae Variant Classification Sherloc (09022015). Collection method: clinical testing. Allele origin: germline.

Neuberg Centre For Genomic Medicine, NCGM
Classification: Uncertain significance for Amyotrophic lateral sclerosis type 4. Last evaluated: 2023-05-20. Review status: criteria provided, single submitter. Criteria: ACMG Guidelines, 2015. Collection method: clinical testing. Allele origin: germline. Inheritance: Autosomal dominant inheritance. Affected: yes.
Comment: The missense c.1670G>A (p.Arg557Gln) variant in the SETX gene has not been reported previously as a pathogenic variant nor as a benign variant, to our knowledge. This variant is reported with the allele frequency (0.005%) in the gnomAD Exomes. This variant has been reported to the ClinVar database as Uncertain Significance. However, no details are available for independent assessment. The amino acid Arginine at position 557 is changed to a Glutamine changing protein sequence and it might alter its composition and physico-chemical properties. Multiple lines of computational evidence (Polyphen - Benign, SIFT - Tolerated and MutationTaster - Polymorphism) predict no damaging effect on protein structure and function for this variant. The reference amino acid Arginine in SETX is predicted as conserved by GERP++ and PhyloP across 100 vertebrates. For these reasons, this variant has been classified as Uncertain Significance.

Athena Diagnostics
Classification: Uncertain significance. Last evaluated: 2021-06-01. Review status: criteria provided, single submitter. Criteria: Athena Diagnostics Criteria. Collection method: clinical testing. Allele origin: unknown.